The following is an entry in ClinVar:

ClinVar aggregate classification (germline): Uncertain significance. Review status: criteria provided, multiple submitters, no conflicts (2 of 4 stars). 2 submissions from 2 submitters: Uncertain significance (2). Last evaluated 2025-10-18.

Conditions:
Inborn genetic diseases. Identifiers: MedGen C0950123, MeSH D030342.
Fibrous dysplasia of jaw (CRBM). Also called: Cherubism. Identifiers: Orphanet 184, MedGen C0008029, MONDO:0007315, OMIM 118400.

Allele frequency attached by ClinVar (database versions not stated): gnomAD exomes 0.00001; ExAC 0.00003; gnomAD 0.00008; TOPMed 0.00011; ESP Exome Variant Server 0.00023.
gnomAD v4.1: 27 of 1,613,232 alleles (0.0017%); highest among the groups gnomAD compares: African/African-American, 0.027%; no homozygotes.

Submissions (2):

Labcorp Genetics (formerly Invitae), Labcorp
Classification: Uncertain significance for Fibrous dysplasia of jaw. Last evaluated: 2025-10-18. Review status: criteria provided, single submitter. Criteria: Invitae Variant Classification Sherloc (09022015). Collection method: clinical testing. Allele origin: germline.
Comment: This sequence change replaces aspartic acid, which is acidic and polar, with histidine, which is basic and polar, at codon 219 of the SH3BP2 protein (p.Asp219His). This variant is present in population databases (rs141725012, gnomAD 0.02%). This variant has not been reported in the literature in individuals affected with SH3BP2-related conditions. ClinVar contains an entry for this variant (Variation ID: 2195188). Invitae Evidence Modeling of protein sequence and biophysical properties (such as structural, functional, and spatial information, amino acid conservation, physicochemical variation, residue mobility, and thermodynamic stability) indicates that this missense variant is not expected to disrupt SH3BP2 protein function with a negative predictive value of 95%. In summary, the available evidence is currently insufficient to determine the role of this variant in disease. Therefore, it has been classified as a Variant of Uncertain Significance.

Ambry Genetics
Classification: Uncertain significance for Inborn genetic diseases. Last evaluated: 2024-06-07. Review status: criteria provided, single submitter. Criteria: Ambry Variant Classification Scheme 2023. Collection method: clinical testing. Allele origin: germline.

NM_001122681.2(SH3BP2):c.655G>C (p.Asp219His)

Gene: SH3BP2 (SH3 domain binding protein 2; plus strand). Cytogenetic location: 4p16.3.
Variant type: single nucleotide variant.
Coding change: c.655G>C on transcript NM_001122681.2 (MANE Select); coding-DNA position 655, G replaced by C.
Protein change: p.Asp219His; replaces aspartic acid 219 with histidine.
Molecular consequence: missense variant.
Genome position (GRCh38, 1-based): chr4:2,829,561, G>C. VCF-style: chr4-2829561-G-C. GRCh37 (hg19) VCF-style: chr4-2831288-G-C.
Other names: c.739G>C, p.Asp247His (NM_001145855.2); c.826G>C, p.Asp276His (NM_001145856.2); c.655G>C, p.Asp219His (NM_003023.4); short protein forms D219H, D247H, D276H.
Identifiers: ClinVar variation 2195188 (VCV002195188.5), dbSNP rs141725012, ClinGen allele CA2819289.